The following is an entry in ClinVar:

NM_001267550.2(TTN):c.34474C>A (p.Pro11492Thr)

Gene: TTN (titin; minus strand). Cytogenetic location: 2q31.2.
Variant type: single nucleotide variant.
Coding change: c.34474C>A on transcript NM_001267550.2 (MANE Select); coding-DNA position 34474, C replaced by A.
Protein change: p.Pro11492Thr; replaces proline 11492 with threonine.
Molecular consequence: missense variant. On other transcripts: intron variant (5).
Genome position (GRCh38, 1-based): chr2:178,675,734, G>T on the plus strand (C>A on the coding strand, the complement: TTN is on the minus strand). VCF-style: chr2-178675734-G-T. GRCh37 (hg19) VCF-style: chr2-179540461-G-T.
Other names: c.13283-33417C>A (NM_003319.4); c.13859-33417C>A (NM_133437.4); c.13658-33417C>A (NM_133432.3); c.30634+187C>A (NM_133378.4); c.33415+187C>A (NM_001256850.1); c.34474C>A (LRG_391t1); short protein forms P11492T.
Identifiers: ClinVar variation 238748 (VCV000238748.72), dbSNP rs182428755, ClinGen allele CA1998050.

ClinVar aggregate classification (germline): Benign/Likely benign. Review status: criteria provided, multiple submitters, no conflicts (2 of 4 stars). 12 submissions from 12 submitters: Benign (3); Likely benign (3). 6 of the submissions do not count toward it. Last evaluated 2026-09-01.

Conditions:
TTN-related disorder. Also called: TTN-related disorders; TTN-related condition; TTN-related disease.
Dilated cardiomyopathy 1G (CMD1G). Identifiers: Orphanet 154, MedGen C1858763, MONDO:0011400, OMIM 604145.
Autosomal recessive limb-girdle muscular dystrophy type 2J (LGMDR10). Also called: MUSCULAR DYSTROPHY, LIMB-GIRDLE, AUTOSOMAL RECESSIVE 10; Limb-girdle muscular dystrophy, type 2J. Identifiers: Orphanet 140922, MedGen C1837342, MONDO:0012127, OMIM 608807.

Allele frequency attached by ClinVar (database versions not stated): gnomAD 0.00362 and 0.00363; TOPMed 0.00389; gnomAD exomes 0.00449 and 0.00625; ExAC 0.01142; 1000 Genomes Project 30x 0.00156; 1000 Genomes Project 0.00160.
gnomAD v4.1: 8,637 of 1,437,438 alleles (0.6%); highest among the groups gnomAD compares: Non-Finnish European, 0.66%; 31 homozygotes.

Submissions (12):

CeGaT Center for Human Genetics Tuebingen
Classification: Likely benign. Last evaluated: 2026-09-01. Review status: criteria provided, single submitter. Criteria: CeGaT Center For Human Genetics Tuebingen Variant Classification Criteria Version 2. Collection method: clinical testing. Allele origin: germline. Affected: yes. Observed: 75 variant alleles.
Comment: TTN: BS2

Labcorp Genetics (formerly Invitae), Labcorp
Classification: Benign for Dilated cardiomyopathy 1G; Autosomal recessive limb-girdle muscular dystrophy type 2J. Last evaluated: 2026-02-04. Review status: criteria provided, single submitter. Criteria: Invitae Variant Classification Sherloc (09022015). Collection method: clinical testing. Allele origin: germline.

ARUP Laboratories, Molecular Genetics and Genomics, ARUP Laboratories
Classification: Benign. Last evaluated: 2025-07-23. Review status: criteria provided, single submitter. Criteria: ARUP Molecular Germline Variant Investigation Process 2024. Collection method: clinical testing. Allele origin: germline.

Molecular Diagnostic Laboratory for Inherited Cardiovascular Disease, Montreal Heart Institute
Classification: Likely benign. Last evaluated: 2025-04-09. Review status: criteria provided, single submitter. Criteria: ACMG Guidelines, 2015. Collection method: clinical testing. Allele origin: germline. Affected: no.

Blueprint Genetics
Classification: Likely benign. Last evaluated: 2024-11-25. Review status: criteria provided, single submitter. Criteria: ACMG Guidelines, 2015. Collection method: clinical testing. Allele origin: germline.

Athena Diagnostics
Classification: Benign. Last evaluated: 2017-06-27. Review status: criteria provided, single submitter. Criteria: Athena Diagnostics Criteria. Collection method: clinical testing. Allele origin: germline.

PreventionGenetics, part of Exact Sciences
Classification: Benign for TTN-related condition. Last evaluated: 2019-07-03. Review status: no assertion criteria provided. Collection method: clinical testing. Allele origin: germline. Not counted in ClinVar's aggregate classification.
Comment: This variant is classified as benign based on ACMG/AMP sequence variant interpretation guidelines (Richards et al. 2015 PMID: 25741868, with internal and published modifications).

Clinical Genetics DNA and cytogenetics Diagnostics Lab, Erasmus MC, Erasmus Medical Center
Classification: Benign. Review status: no assertion criteria provided. Collection method: clinical testing. Allele origin: germline. Affected: yes. Study: VKGL Data-share Consensus. Not counted in ClinVar's aggregate classification.

Clinical Genetics, Academic Medical Center
Classification: Benign. Review status: no assertion criteria provided. Collection method: clinical testing. Allele origin: germline. Affected: yes. Study: VKGL Data-share Consensus. Not counted in ClinVar's aggregate classification.

Diagnostic Laboratory, Department of Genetics, University Medical Center Groningen
Classification: Benign. Review status: no assertion criteria provided. Collection method: clinical testing. Allele origin: germline. Affected: yes. Study: VKGL Data-share Consensus. Not counted in ClinVar's aggregate classification.

Joint Genome Diagnostic Labs from Nijmegen and Maastricht, Radboudumc and MUMC+
Classification: Benign. Review status: no assertion criteria provided. Collection method: clinical testing. Allele origin: germline. Affected: yes. Study: VKGL Data-share Consensus. Not counted in ClinVar's aggregate classification.

Laboratory of Diagnostic Genome Analysis, Leiden University Medical Center (LUMC)
Classification: Likely benign. Review status: no assertion criteria provided. Collection method: clinical testing. Allele origin: germline. Affected: yes. Study: VKGL Data-share Consensus. Not counted in ClinVar's aggregate classification.